The following is an entry in ClinVar:

NM_000260.4(MYO7A):c.3795G>A (p.Met1265Ile)

Gene: MYO7A (myosin VIIA; plus strand). Cytogenetic location: 11q13.5.
Variant type: single nucleotide variant.
Coding change: c.3795G>A on transcript NM_000260.4 (MANE Select); coding-DNA position 3795, G replaced by A.
Protein change: p.Met1265Ile; replaces methionine 1265 with isoleucine.
Molecular consequence: missense variant.
Genome position (GRCh38, 1-based): chr11:77,190,741, G>A. VCF-style: chr11-77190741-G-A. GRCh37 (hg19) VCF-style: chr11-76901786-G-A.
Other names: c.3795G>A, p.Met1265Ile (NM_001127180.2); c.3762G>A, p.Met1254Ile (NM_001369365.1); short protein forms M1265I, M1254I.
Identifiers: ClinVar variation 866475 (VCV000866475.7), dbSNP rs1378145255, ClinGen allele CA381947489.
Genomic context (GRCh38, chr11:77,190,741, plus strand): 5'-CTTGGGGCACTTCCAGGCCACCAAGTCCAAGAAGCCAATCATGTTGCCCGTGACATTCAT[G>A]GATGGGACCACCAAGACCCTGCTGACGGACTCGGCAACCACGGCCAAGGAGCTCTGCAAC-3'
Protein context (NP_000251.3, residues 1255-1275): KKPIMLPVTF[Met1265Ile]DGTTKTLLTD

ClinVar aggregate classification (germline): Uncertain significance. Review status: criteria provided, multiple submitters, no conflicts (2 of 4 stars). 2 submissions from 2 submitters: Uncertain significance (2). Last evaluated 2022-03-20.

Allele frequency attached by ClinVar (database versions not stated): gnomAD exomes below 0.00001; TOPMed below 0.00001; gnomAD 0.00001.

Submissions (2):

Labcorp Genetics (formerly Invitae), Labcorp
Classification: Uncertain significance. Last evaluated: 2022-03-20. Review status: criteria provided, single submitter. Criteria: Invitae Variant Classification Sherloc (09022015). Collection method: clinical testing. Allele origin: germline.
Comment: In summary, the available evidence is currently insufficient to determine the role of this variant in disease. Therefore, it has been classified as a Variant of Uncertain Significance. Algorithms developed to predict the effect of sequence changes on RNA splicing suggest that this variant may create or strengthen a splice site. Algorithms developed to predict the effect of missense changes on protein structure and function are either unavailable or do not agree on the potential impact of this missense change (SIFT: "Deleterious"; PolyPhen-2: "Probably Damaging"; Align-GVGD: "Class C0"). ClinVar contains an entry for this variant (Variation ID: 866475). This missense change has been observed in individual(s) with MYO7A-related conditions (Invitae). This variant is present in population databases (no rsID available, gnomAD 0.0009%). This sequence change replaces methionine, which is neutral and non-polar, with isoleucine, which is neutral and non-polar, at codon 1265 of the MYO7A protein (p.Met1265Ile).

Blueprint Genetics
Classification: Uncertain significance. Last evaluated: 2017-12-07. Review status: criteria provided, single submitter. Criteria: ACMG Guidelines, 2015. Collection method: clinical testing. Allele origin: germline.